The following is an entry in ClinVar:

NM_001510.4(GRID2):c.1639G>A (p.Val547Ile)

Gene: GRID2 (glutamate ionotropic receptor delta type subunit 2; plus strand). Cytogenetic location: 4q22.2.
Variant type: single nucleotide variant.
Coding change: c.1639G>A on transcript NM_001510.4 (MANE Select); coding-DNA position 1639, G replaced by A.
Protein change: p.Val547Ile; replaces valine 547 with isoleucine.
Molecular consequence: missense variant.
Genome position (GRCh38, 1-based): chr4:93,455,755, G>A. VCF-style: chr4-93455755-G-A. GRCh37 (hg19) VCF-style: chr4-94376906-G-A.
Other names: p.Val547Ile; c.1354G>A, p.Val452Ile (NM_001286838.1); short protein forms V452I, V547I.
Identifiers: ClinVar variation 3379549 (VCV003379549.1).
Genomic context (GRCh38, chr4:93,455,755, plus strand): 5'-ACTCCAGATCGTGAAAATGTGGTGGACTTTACGACACGTTACATGGACTACTCAGTGGGG[G>A]TACTACTTCGAAGGGCTGAAAAGACAGTGGATATGTTTGCCTGTCTTGCACCATTTGATC-3'
Protein context (NP_001501.2, residues 537-557): TTRYMDYSVG[Val547Ile]LLRRAEKTVD

ClinVar aggregate classification (germline): Uncertain significance (1 of 4 stars; one submission).

Submission:

Mayo Clinic Laboratories, Mayo Clinic
Classification: Uncertain significance. Last evaluated: 2023-09-13. Review status: criteria provided, single submitter. Criteria: ACMG Guidelines, 2015. Collection method: clinical testing. Allele origin: germline. Observed: 1 variant allele.
Comment: PM2_moderate